The following is an entry in ClinVar:

ClinVar aggregate classification (germline): Uncertain significance (1 of 4 stars; one submission).

Conditions:
Inborn genetic diseases. Identifiers: MedGen C0950123, MeSH D030342.

Submission:

Ambry Genetics
Classification: Uncertain significance for Inborn genetic diseases. Last evaluated: 2026-04-09. Review status: criteria provided, single submitter. Criteria: Ambry Variant Classification Scheme 2023. Collection method: clinical testing. Allele origin: germline.
Comment: The p.G919S variant (also known as c.2755G>A), located in coding exon 12 of the BMPR2 gene, results from a G to A substitution at nucleotide position 2755. The glycine at codon 919 is replaced by serine, an amino acid with similar properties. This amino acid position is conserved. In addition, this alteration is predicted to be tolerated by in silico analysis. Based on the available evidence, the clinical significance of this variant remains unclear.

NM_001204.7(BMPR2):c.2755G>A (p.Gly919Ser)

Gene: BMPR2 (bone morphogenetic protein receptor type 2; plus strand). Cytogenetic location: 2q33.2.
Variant type: single nucleotide variant.
Coding change: c.2755G>A on transcript NM_001204.7 (MANE Select); coding-DNA position 2755, G replaced by A.
Protein change: p.Gly919Ser; replaces glycine 919 with serine.
Molecular consequence: missense variant.
Genome position (GRCh38, 1-based): chr2:202,556,420, G>A. VCF-style: chr2-202556420-G-A. GRCh37 (hg19) VCF-style: chr2-203421143-G-A.
Other names: short protein forms G919S.
Identifiers: ClinVar variation 4867597 (VCV004867597.1).